The following is an entry in ClinVar:

NM_016169.4(SUFU):c.948C>T (p.Leu316=)

Gene: SUFU (SUFU negative regulator of hedgehog signaling; plus strand). Cytogenetic location: 10q24.32.
Variant type: single nucleotide variant.
Coding change: c.948C>T on transcript NM_016169.4 (MANE Select); coding-DNA position 948, C replaced by T.
Protein change: p.Leu316=; no amino-acid change (leucine 316 retained).
Molecular consequence: synonymous variant.
Genome position (GRCh38, 1-based): chr10:102,599,470, C>T. VCF-style: chr10-102599470-C-T. GRCh37 (hg19) VCF-style: chr10-104359227-C-T.
Other names: c.948C>T, p.Leu316= (NM_001178133.2).
Identifiers: ClinVar variation 1633108 (VCV001633108.18), dbSNP rs1236947004, ClinGen allele CA471302930.

ClinVar aggregate classification (germline): Likely benign. Review status: criteria provided, multiple submitters, no conflicts (2 of 4 stars). 3 submissions from 3 submitters: Likely benign (3). Last evaluated 2025-08-01.

Conditions:
Medulloblastoma (MDB). Also called: Medulloblastoma, somatic; MEDULLOBLASTOMA PREDISPOSITION SYNDROME. Identifiers: Orphanet 616, MedGen C0025149, MeSH D008527, MONDO:0007959, OMIM 155255, HP:0002885.
Gorlin syndrome. Also called: Nevoid Basal Cell Carcinoma Syndrome; Basal cell nevus syndrome. Identifiers: Orphanet 377, MedGen C0004779, MONDO:0007187.
Hereditary cancer-predisposing syndrome. Also called: Hereditary Cancer Syndrome; Neoplastic Syndromes, Hereditary; Hereditary neoplastic syndrome; Tumor predisposition. Identifiers: Orphanet 140162, MedGen C0027672, MeSH D009386, MONDO:0015356.

gnomAD v4.1: 4 of 1,614,140 alleles (0.00025%); highest among the groups gnomAD compares: South Asian, 0.0011%; no homozygotes.

Submissions (3):

CeGaT Center for Human Genetics Tuebingen
Classification: Likely benign. Last evaluated: 2025-08-01. Review status: criteria provided, single submitter. Criteria: CeGaT Center For Human Genetics Tuebingen Variant Classification Criteria Version 2. Collection method: clinical testing. Allele origin: germline. Affected: yes. Observed: 1 variant allele.
Comment: SUFU: BP4, BP7

Labcorp Genetics (formerly Invitae), Labcorp
Classification: Likely benign for Gorlin syndrome; Medulloblastoma. Last evaluated: 2025-06-11. Review status: criteria provided, single submitter. Criteria: Invitae Variant Classification Sherloc (09022015). Collection method: clinical testing. Allele origin: germline.

Ambry Genetics
Classification: Likely benign for Hereditary cancer-predisposing syndrome. Last evaluated: 2021-03-15. Review status: criteria provided, single submitter. Criteria: Ambry Variant Classification Scheme 2023. Collection method: clinical testing. Allele origin: germline.